The following is an entry in ClinVar:

NM_032141.4(NSRP1):c.1318C>G (p.Arg440Gly)

Gene: NSRP1 (nuclear speckle splicing regulatory protein 1; plus strand). Cytogenetic location: 17q11.2.
Variant type: single nucleotide variant.
Coding change: c.1318C>G on transcript NM_032141.4 (MANE Select); coding-DNA position 1318, C replaced by G.
Protein change: p.Arg440Gly; replaces arginine 440 with glycine.
Molecular consequence: missense variant.
Genome position (GRCh38, 1-based): chr17:30,185,315, C>G. VCF-style: chr17-30185315-C-G. GRCh37 (hg19) VCF-style: chr17-28512333-C-G.
Other names: c.1156C>G, p.Arg386Gly (NM_001261467.2); short protein forms R386G, R440G.
Identifiers: ClinVar variation 5040957 (VCV005040957.1).
Genomic context (GRCh38, chr17:30,185,315, plus strand): 5'-CATATGAAAGTAAGGAAGGAAAGATATGAAAATAATGATAAATACAGAGATAGAGAAAAA[C>G]GAGAGGTAGGTGTTCAGTCTTCAGAAAGAAATCAAGACAGAAAGGAAAGCAGCCCAAATT-3'
Protein context (NP_115517.1, residues 430-450): NNDKYRDREK[Arg440Gly]EVGVQSSERN

ClinVar aggregate classification (germline): Likely benign (1 of 4 stars; one submission).

gnomAD v4.1: 1,145 of 1,605,330 alleles (0.071%); highest among the groups gnomAD compares: African/African-American, 1.3%; 7 homozygotes.

Submission:

CeGaT Center for Human Genetics Tuebingen
Classification: Likely benign. Last evaluated: 2026-09-01. Review status: criteria provided, single submitter. Criteria: CeGaT Center For Human Genetics Tuebingen Variant Classification Criteria Version 2. Collection method: clinical testing. Allele origin: germline. Affected: yes. Observed: 1 variant allele.
Comment: NSRP1: BP4, BS1